The following is an entry in ClinVar:

ClinVar aggregate classification (germline): Benign/Likely benign. Review status: criteria provided, multiple submitters, no conflicts (2 of 4 stars). 5 submissions from 5 submitters: Benign (1); Likely benign (4). Last evaluated 2025-03-26.

Conditions:
Peutz-Jeghers syndrome (PJS). Also called: POLYPOSIS, HAMARTOMATOUS INTESTINAL; POLYPS-AND-SPOTS SYNDROME; Peutz-Jeghers polyposis; Periorificial lentiginosis syndrome. Identifiers: Orphanet 2869, MedGen C0031269, MeSH D010580, MONDO:0008280, OMIM 175200.
Hereditary cancer-predisposing syndrome. Also called: Tumor predisposition; Neoplastic Syndromes, Hereditary; Hereditary Cancer Syndrome; Hereditary neoplastic syndrome. Identifiers: Orphanet 140162, MedGen C0027672, MeSH D009386, MONDO:0015356.

Allele frequency attached by ClinVar (database versions not stated): gnomAD exomes below 0.00001; TOPMed below 0.00001; gnomAD 0.00001.
gnomAD v4.1: 3 of 1,606,062 alleles (0.00019%); highest among the groups gnomAD compares: Non-Finnish European, 0.00025%; no homozygotes.

Submissions (5):

Myriad Genetics, Inc.
Classification: Benign for Peutz-Jeghers syndrome. Last evaluated: 2025-03-26. Review status: criteria provided, single submitter. Criteria: Myriad Autosomal Dominant, Autosomal Recessive and X-Linked Classification Criteria (2023). Collection method: clinical testing. Allele origin: unknown.
Comment: This variant is considered benign. This variant is a silent/synonymous amino acid change and it is not expected to impact splicing.

Labcorp Genetics (formerly Invitae), Labcorp
Classification: Likely benign for Peutz-Jeghers syndrome. Last evaluated: 2024-09-09. Review status: criteria provided, single submitter. Criteria: Invitae Variant Classification Sherloc (09022015). Collection method: clinical testing. Allele origin: germline.

Ambry Genetics
Classification: Likely benign for Hereditary cancer-predisposing syndrome. Last evaluated: 2024-08-07. Review status: criteria provided, single submitter. Criteria: Ambry Variant Classification Scheme 2023. Collection method: clinical testing. Allele origin: germline.

GeneDx
Classification: Likely benign. Last evaluated: 2019-01-18. Review status: criteria provided, single submitter. Criteria: GeneDx Variant Classification Process June 2021. Collection method: clinical testing. Allele origin: germline. Affected: yes.

Color Diagnostics, LLC DBA Color Health
Classification: Likely benign for Hereditary cancer-predisposing syndrome. Last evaluated: 2018-09-05. Review status: criteria provided, single submitter. Criteria: ACMG Guidelines, 2015. Collection method: clinical testing. Allele origin: germline.

NM_000455.5(STK11):c.576C>T (p.Ile192=)

Gene: STK11 (serine/threonine kinase 11; plus strand). Cytogenetic location: 19p13.3.
Variant type: single nucleotide variant.
Coding change: c.576C>T on transcript NM_000455.5 (MANE Select); coding-DNA position 576, C replaced by T.
Protein change: p.Ile192=; no amino-acid change (isoleucine 192 retained).
Molecular consequence: synonymous variant.
Genome position (GRCh38, 1-based): chr19:1,220,484, C>T. VCF-style: chr19-1220484-C-T. GRCh37 (hg19) VCF-style: chr19-1220483-C-T.
Identifiers: ClinVar variation 629187 (VCV000629187.16), dbSNP rs878853991, ClinGen allele CA504892345.